The following is an entry in ClinVar:

NM_000843.4(GRM6):c.700G>A (p.Val234Ile)

Gene: GRM6 (glutamate metabotropic receptor 6; minus strand). Cytogenetic location: 5q35.3.
Variant type: single nucleotide variant.
Coding change: c.700G>A on transcript NM_000843.4 (MANE Select); coding-DNA position 700, G replaced by A.
Protein change: p.Val234Ile; replaces valine 234 with isoleucine.
Molecular consequence: missense variant.
Genome position (GRCh38, 1-based): chr5:178,991,888, C>T on the plus strand (G>A on the coding strand, the complement: GRM6 is on the minus strand). VCF-style: chr5-178991888-C-T. GRCh37 (hg19) VCF-style: chr5-178418889-C-T.
Other names: short protein forms V234I.
Identifiers: ClinVar variation 1466588 (VCV001466588.6), dbSNP rs373706529, ClinGen allele CA133029796.

ClinVar aggregate classification (germline): Uncertain significance (1 of 4 stars; one submission).

Allele frequency attached by ClinVar (database versions not stated): gnomAD exomes 0.00001; TOPMed 0.00002; ESP Exome Variant Server 0.00008.
gnomAD v4.1: 16 of 1,613,926 alleles (0.00099%); highest among the groups gnomAD compares: East Asian, 0.0089%; no homozygotes.

Submission:

Labcorp Genetics (formerly Invitae), Labcorp
Classification: Uncertain significance. Last evaluated: 2022-10-17. Review status: criteria provided, single submitter. Criteria: Invitae Variant Classification Sherloc (09022015). Collection method: clinical testing. Allele origin: germline.
Comment: This variant has not been reported in the literature in individuals affected with GRM6-related conditions. This variant is present in population databases (rs373706529, gnomAD 0.003%). This sequence change replaces valine, which is neutral and non-polar, with isoleucine, which is neutral and non-polar, at codon 234 of the GRM6 protein (p.Val234Ile). ClinVar contains an entry for this variant (Variation ID: 1466588). In summary, the available evidence is currently insufficient to determine the role of this variant in disease. Therefore, it has been classified as a Variant of Uncertain Significance. Advanced modeling of protein sequence and biophysical properties (such as structural, functional, and spatial information, amino acid conservation, physicochemical variation, residue mobility, and thermodynamic stability) performed at Invitae indicates that this missense variant is not expected to disrupt GRM6 protein function.